The following is an entry in ClinVar:

ClinVar aggregate classification (germline): Uncertain significance. Review status: criteria provided, multiple submitters, no conflicts (2 of 4 stars). 2 submissions from 2 submitters: Uncertain significance (2). Last evaluated 2024-08-14.

Conditions:
Inborn genetic diseases. Identifiers: MedGen C0950123, MeSH D030342.

gnomAD v4.1: 68 of 1,614,038 alleles (0.0042%); highest among the groups gnomAD compares: Middle Eastern, 0.017%; no homozygotes.

Submissions (2):

Ambry Genetics
Classification: Uncertain significance for Inborn genetic diseases. Last evaluated: 2024-08-14. Review status: criteria provided, single submitter. Criteria: Ambry Variant Classification Scheme 2023. Collection method: clinical testing. Allele origin: germline.

Labcorp Genetics (formerly Invitae), Labcorp
Classification: Uncertain significance. Last evaluated: 2024-05-06. Review status: criteria provided, single submitter. Criteria: Invitae Variant Classification Sherloc (09022015). Collection method: clinical testing. Allele origin: germline.
Comment: This sequence change replaces histidine, which is basic and polar, with tyrosine, which is neutral and polar, at codon 163 of the CPAMD8 protein (p.His163Tyr). This variant is present in population databases (rs779986442, gnomAD 0.007%). This variant has not been reported in the literature in individuals affected with CPAMD8-related conditions. An algorithm developed to predict the effect of missense changes on protein structure and function (PolyPhen-2) suggests that this variant is likely to be tolerated. In summary, the available evidence is currently insufficient to determine the role of this variant in disease. Therefore, it has been classified as a Variant of Uncertain Significance.

NM_015692.5(CPAMD8):c.346C>T (p.His116Tyr)

Gene: CPAMD8 (C3 and PZP like alpha-2-macroglobulin domain containing 8; minus strand). Cytogenetic location: 19p13.11.
Variant type: single nucleotide variant.
Coding change: c.346C>T on transcript NM_015692.5 (MANE Select); coding-DNA position 346, C replaced by T.
Protein change: p.His116Tyr; replaces histidine 116 with tyrosine.
Molecular consequence: missense variant. On other transcripts: non-coding transcript variant (1).
Genome position (GRCh38, 1-based): chr19:17,011,679, G>A on the plus strand (C>T on the coding strand, the complement: CPAMD8 is on the minus strand). VCF-style: chr19-17011679-G-A. GRCh37 (hg19) VCF-style: chr19-17122489-G-A.
Other names: short protein forms H116Y.
Identifiers: ClinVar variation 3496264 (VCV003496264.3).
Genomic context (GRCh38, chr19:17,011,679, plus strand): 5'-TGTCCGTCTGGATGAATACAGAAGCGCCCCGGCCGTCCACGGTCACCGAGGTCTGGTTGT[G>A]AAAGAGGGGCCCCTCCTCCGCCTGCCAGCCGCGGCCCCACACTTTCAGAAGCGCTTGGCC-3'
Protein context (NP_056507.3, residues 106-126): GWQAEEGPLF[His116Tyr]NQTSVTVDGR